The following is an entry in ClinVar:

NM_130839.5(UBE3A):c.610T>C (p.Ser204Pro)

Genes: SNHG14 (small nucleolar RNA host gene 14; plus strand), UBE3A (ubiquitin protein ligase E3A; minus strand). Cytogenetic location: 15q11.2.
Variant type: single nucleotide variant.
Coding change: c.610T>C on transcript NM_130839.5 (MANE Select); coding-DNA position 610, T replaced by C.
Protein change: p.Ser204Pro; replaces serine 204 with proline.
Molecular consequence: missense variant. On other transcripts: non-coding transcript variant (1), intron variant (2).
Genome position (GRCh38, 1-based): chr15:25,371,564, A>G on the plus strand (T>C on the coding strand, the complement: UBE3A is on the minus strand). VCF-style: chr15-25371564-A-G. GRCh37 (hg19) VCF-style: chr15-25616711-A-G.
Other names: c.610T>C, p.Ser204Pro (NM_001354538.2, NM_001354545.2, NM_001354505.1); c.550T>C, p.Ser184Pro (NM_001354539.2, NM_001354540.2, NM_001354541.2 and 17 more transcripts); c.433T>C, p.Ser145Pro (NM_001354546.2); c.619T>C, p.Ser207Pro (NM_000462.5); c.301+3901T>C (NM_001354551.2); c.361+3901T>C (NM_001354550.2); short protein forms S207P, S184P, S204P, S145P.
Identifiers: ClinVar variation 3018679 (VCV003018679.3), dbSNP rs761085385, ClinGen allele CA7435612.

ClinVar aggregate classification (germline): Uncertain significance (1 of 4 stars; one submission).

Conditions:
Angelman syndrome (AS). Also called: HAPPY PUPPET SYNDROME. Identifiers: Orphanet 72, MedGen C0162635, MONDO:0007113, OMIM 105830. Disease mechanism: loss of function. Inheritance: AS is caused by disruption of maternally imprinted UBE3A located within the 15q11.2-q13 Angelman syndrome/Prader-Willi syndrome (AS/PWS) region., imprinting disorder.

Allele frequency attached by ClinVar (database versions not stated): ExAC 0.00001; gnomAD exomes below 0.00001.
gnomAD v4.1: 4 of 1,614,128 alleles (0.00025%); highest among the groups gnomAD compares: South Asian, 0.0044%; no homozygotes.

Submission:

Labcorp Genetics (formerly Invitae), Labcorp
Classification: Uncertain significance for Angelman syndrome. Last evaluated: 2023-04-17. Review status: criteria provided, single submitter. Criteria: Invitae Variant Classification Sherloc (09022015). Collection method: clinical testing. Allele origin: germline.
Comment: In summary, the available evidence is currently insufficient to determine the role of this variant in disease. Therefore, it has been classified as a Variant of Uncertain Significance. Advanced modeling of protein sequence and biophysical properties (such as structural, functional, and spatial information, amino acid conservation, physicochemical variation, residue mobility, and thermodynamic stability) performed at Invitae indicates that this missense variant is not expected to disrupt UBE3A protein function. This variant has not been reported in the literature in individuals affected with UBE3A-related conditions. This variant is present in population databases (rs761085385, gnomAD 0.003%). This sequence change replaces serine, which is neutral and polar, with proline, which is neutral and non-polar, at codon 184 of the UBE3A protein (p.Ser184Pro).